The following is an entry in ClinVar:

ClinVar aggregate classification (germline): Benign. Review status: criteria provided, multiple submitters, no conflicts (2 of 4 stars). 6 submissions from 6 submitters: Benign (4). 2 of the submissions do not count toward it. Last evaluated 2026-02-04.

Conditions:
FAT4-related disorder. Also called: FAT4-related condition.

Allele frequency attached by ClinVar (database versions not stated): gnomAD exomes 0.04858 and 0.05478; TOPMed 0.04953; gnomAD 0.04967 and 0.04974; ESP Exome Variant Server 0.05167; 1000 Genomes Project 0.05371; ExAC 0.05430; 1000 Genomes Project 30x 0.05465.
gnomAD v4.1: 87,359 of 1,613,234 alleles (5.4%); highest among the groups gnomAD compares: East Asian, 5.9%; 2,483 homozygotes.

Submissions (6):

Labcorp Genetics (formerly Invitae), Labcorp
Classification: Benign. Last evaluated: 2026-02-04. Review status: criteria provided, single submitter. Criteria: Invitae Variant Classification Sherloc (09022015). Collection method: clinical testing. Allele origin: germline.

PreventionGenetics, part of Exact Sciences
Classification: Benign for FAT4-related condition. Last evaluated: 2025-03-13. Review status: criteria provided, single submitter. Criteria: ACMG Guidelines, 2015. Collection method: clinical testing. Allele origin: germline.
Comment: This variant is classified as benign based on ACMG/AMP sequence variant interpretation guidelines (Richards et al. 2015 PMID: 25741868, with internal and published modifications).

GeneDx
Classification: Benign. Last evaluated: 2016-02-04. Review status: criteria provided, single submitter. Criteria: GeneDx Variant Classification (06012015). Collection method: clinical testing. Allele origin: germline. Affected: yes.
Comment: This variant is considered likely benign or benign based on one or more of the following criteria: it is a conservative change, it occurs at a poorly conserved position in the protein, it is predicted to be benign by multiple in silico algorithms, and/or has population frequency not consistent with disease.

Breakthrough Genomics
Classification: Benign. Review status: criteria provided, single submitter. Criteria: ACMG Guidelines, 2015. Collection method: not provided. Allele origin: germline. Inheritance: Autosomal recessive inheritance. Affected: yes.

Clinical Genetics DNA and cytogenetics Diagnostics Lab, Erasmus MC, Erasmus Medical Center
Classification: Benign. Review status: no assertion criteria provided. Collection method: clinical testing. Allele origin: germline. Affected: yes. Study: VKGL Data-share Consensus. Not counted in ClinVar's aggregate classification.

Clinical Genetics, Academic Medical Center
Classification: Benign. Review status: no assertion criteria provided. Collection method: clinical testing. Allele origin: germline. Affected: yes. Study: VKGL Data-share Consensus. Not counted in ClinVar's aggregate classification.

NM_001291303.3(FAT4):c.14920C>T (p.Pro4974Ser)

Gene: FAT4 (FAT atypical cadherin 4; plus strand). Cytogenetic location: 4q28.1.
Variant type: single nucleotide variant.
Coding change: c.14920C>T on transcript NM_001291303.3 (MANE Select); coding-DNA position 14920, C replaced by T.
Protein change: p.Pro4974Ser; replaces proline 4974 with serine.
Molecular consequence: missense variant.
Genome position (GRCh38, 1-based): chr4:125,491,736, C>T. VCF-style: chr4-125491736-C-T. GRCh37 (hg19) VCF-style: chr4-126412891-C-T.
Other names: c.14917C>T, p.Pro4973Ser (NM_001291285.3); c.14914C>T, p.Pro4972Ser (NM_024582.6); short protein forms P4972S, P4974S, P4973S.
Identifiers: ClinVar variation 380911 (VCV000380911.13), dbSNP rs1014867, ClinGen allele CA3074644.
Genomic context (GRCh38, chr4:125,491,736, plus strand): 5'-TCTCTTCCAGAAAAAGCAGCAGCAAATGAAGAAGGCAAAGCTGGGACAACTAAACCAGTC[C>T]CCAAAGATGGGGAAGCAGAACAGTATGTGTGAAGTTTATGTACTGGCACTATAAAATATA-3'
Protein context (NP_001278232.1, residues 4964-4983): EGKAGTTKPV[Pro4974Ser]KDGEAEQYV